The following is an entry in ClinVar:

ClinVar aggregate classification (germline): Uncertain significance (1 of 4 stars; one submission).

Conditions:
Inborn genetic diseases. Identifiers: MedGen C0950123, MeSH D030342.

Submission:

Ambry Genetics
Classification: Uncertain significance for Inborn genetic diseases. Last evaluated: 2025-09-14. Review status: criteria provided, single submitter. Criteria: Ambry Variant Classification Scheme 2023. Collection method: clinical testing. Allele origin: germline.
Comment: The p.G373V variant (also known as c.1118G>T), located in coding exon 10 of the ANKRD26 gene, results from a G to T substitution at nucleotide position 1118. The glycine at codon 373 is replaced by valine, an amino acid with dissimilar properties. This amino acid position is conserved. In addition, this alteration is predicted to be tolerated by in silico analysis. Based on the available evidence, the clinical significance of this variant remains unclear.

NM_014915.3(ANKRD26):c.1118G>T (p.Gly373Val)

Gene: ANKRD26 (ankyrin repeat domain containing 26; minus strand). Cytogenetic location: 10p12.1.
Variant type: single nucleotide variant.
Coding change: c.1118G>T on transcript NM_014915.3 (MANE Select); coding-DNA position 1118, G replaced by T.
Protein change: p.Gly373Val; replaces glycine 373 with valine.
Molecular consequence: missense variant.
Genome position (GRCh38, 1-based): chr10:27,067,246, C>A on the plus strand (G>T on the coding strand, the complement: ANKRD26 is on the minus strand). VCF-style: chr10-27067246-C-A. GRCh37 (hg19) VCF-style: chr10-27356175-C-A.
Other names: c.1118G>T, p.Gly373Val (NM_001256053.2); short protein forms G373V.
Identifiers: ClinVar variation 4104863 (VCV004104863.1).
Genomic context (GRCh38, chr10:27,067,246, plus strand): 5'-ACATAAGTCAAATTGTCATTATTTGTTTGCTCTAGTGGAGCACTTTCAATAATATCAATA[C>A]CATTTTCTTTTTTTGCAATGCCTGGCTTTGTTGGTTCTTCCTATTAAAAACAAAAACAAA-3'
Protein context (NP_055730.2, residues 363-383): TKPGIAKKEN[Gly373Val]IDIIESAPLE